The following is an entry in ClinVar:

NM_021020.5(LZTS1):c.1150-6C>T

Gene: LZTS1 (leucine zipper tumor suppressor 1; minus strand). Cytogenetic location: 8p21.3.
Variant type: single nucleotide variant.
Coding change: c.1150-6C>T on transcript NM_021020.5 (MANE Select); 6 bases into the intron before coding-DNA position 1150, C replaced by T.
Molecular consequence: intron variant.
Genome position (GRCh38, 1-based): chr8:20,250,369, G>A on the plus strand (C>T on the coding strand, the complement: LZTS1 is on the minus strand). VCF-style: chr8-20250369-G-A. GRCh37 (hg19) VCF-style: chr8-20107880-G-A.
Other names: c.1150-6C>T (NM_001362884.2).
Identifiers: ClinVar variation 2895399 (VCV002895399.16), dbSNP rs374589528, ClinGen allele CA4657339.

ClinVar aggregate classification (germline): Likely benign. Review status: criteria provided, multiple submitters, no conflicts (2 of 4 stars). 2 submissions from 2 submitters: Likely benign (2). Last evaluated 2024-12-01.

Allele frequency attached by ClinVar (database versions not stated): gnomAD 0.00011; ESP Exome Variant Server 0.00015; ExAC 0.00006.
gnomAD v4.1: 36 of 1,588,128 alleles (0.0023%); highest among the groups gnomAD compares: African/African-American, 0.036%; no homozygotes.

Submissions (2):

CeGaT Center for Human Genetics Tuebingen
Classification: Likely benign. Last evaluated: 2024-12-01. Review status: criteria provided, single submitter. Criteria: CeGaT Center For Human Genetics Tuebingen Variant Classification Criteria Version 2. Collection method: clinical testing. Allele origin: germline. Affected: yes. Observed: 1 variant allele.
Comment: LZTS1: BP4

Labcorp Genetics (formerly Invitae), Labcorp
Classification: Likely benign. Last evaluated: 2023-07-25. Review status: criteria provided, single submitter. Criteria: Invitae Variant Classification Sherloc (09022015). Collection method: clinical testing. Allele origin: germline.